The following is an entry in ClinVar:

NM_032590.5(KDM2B):c.2914C>G (p.Pro972Ala)

Gene: KDM2B (lysine demethylase 2B; minus strand). Cytogenetic location: 12q24.31.
Variant type: single nucleotide variant.
Coding change: c.2914C>G on transcript NM_032590.5 (MANE Select); coding-DNA position 2914, C replaced by G.
Protein change: p.Pro972Ala; replaces proline 972 with alanine.
Molecular consequence: missense variant.
Genome position (GRCh38, 1-based): chr12:121,442,527, G>C on the plus strand (C>G on the coding strand, the complement: KDM2B is on the minus strand). VCF-style: chr12-121442527-G-C. GRCh37 (hg19) VCF-style: chr12-121880330-G-C.
Other names: c.2707C>G, p.Pro903Ala (NM_001005366.2); short protein forms P903A, P972A.
Identifiers: ClinVar variation 3361464 (VCV003361464.1).

ClinVar aggregate classification (germline): Uncertain significance (1 of 4 stars; one submission).

Submission:

GeneDx
Classification: Uncertain significance. Last evaluated: 2023-07-27. Review status: criteria provided, single submitter. Criteria: GeneDx Variant Classification Process June 2021. Collection method: clinical testing. Allele origin: germline. Affected: yes.
Comment: Not observed at significant frequency in large population cohorts (gnomAD); In silico analysis supports that this missense variant has a deleterious effect on protein structure/function; Has not been previously published as pathogenic or benign to our knowledge